The following is an entry in ClinVar:

NM_001298.3(CNGA3):c.1688G>A (p.Arg563His)

Gene: CNGA3 (cyclic nucleotide gated channel subunit alpha 3; plus strand). Cytogenetic location: 2q11.2.
Variant type: single nucleotide variant.
Coding change: c.1688G>A on transcript NM_001298.3 (MANE Select); coding-DNA position 1688, G replaced by A.
Protein change: p.Arg563His; replaces arginine 563 with histidine.
Molecular consequence: missense variant.
Genome position (GRCh38, 1-based): chr2:98,396,858, G>A. VCF-style: chr2-98396858-G-A. GRCh37 (hg19) VCF-style: chr2-99013321-G-A.
Other names: c.1634G>A, p.Arg545His (NM_001079878.2); short protein forms R563H, R545H.
Identifiers: ClinVar variation 265467 (VCV000265467.52), dbSNP rs552069173, ClinGen allele CA1794067.

ClinVar aggregate classification (germline): Pathogenic/Likely pathogenic. Review status: criteria provided, multiple submitters, no conflicts (2 of 4 stars). 11 submissions from 11 submitters: Pathogenic (7); Likely pathogenic (1). 3 of the submissions do not count toward it. Last evaluated 2025-12-16.

Conditions:
CNGA3-related disorder. Also called: CNGA3-related condition.
CNGA3-related disorders.
Retinal dystrophy. Also called: Inherited retinal dystrophy. Identifiers: Orphanet 71862, MedGen C0854723, MeSH D058499, MONDO:0019118, HP:0000556.
Achromatopsia 2 (ACHM2). Also called: COLORBLINDNESS, TOTAL; ROD MONOCHROMACY 2; ROD MONOCHROMATISM 2. Identifiers: Orphanet 49382, MedGen C1857618, MONDO:0009003, OMIM 216900.
Abnormality of the eye. Identifiers: MedGen C4316870, HP:0000478.

Allele frequency attached by ClinVar (database versions not stated): gnomAD 0.00003 and 0.00004; TOPMed 0.00003; ExAC 0.00007; gnomAD exomes 0.00008.
gnomAD v4.1: 69 of 1,614,056 alleles (0.0043%); highest among the groups gnomAD compares: Admixed American, 0.017%; no homozygotes.

Submissions (11):

Labcorp Genetics (formerly Invitae), Labcorp
Classification: Pathogenic. Last evaluated: 2025-12-16. Review status: criteria provided, single submitter. Criteria: Invitae Variant Classification Sherloc (09022015). Collection method: clinical testing. Allele origin: germline.
Comment: This sequence change replaces arginine, which is basic and polar, with histidine, which is basic and polar, at codon 563 of the CNGA3 protein (p.Arg563His). This variant is present in population databases (rs552069173, gnomAD 0.03%). This missense change has been observed in individual(s) with inherited retinal dystrophy (PMID: 11536077; internal data). In at least one individual the data is consistent with being in trans (on the opposite chromosome) from a pathogenic variant. ClinVar contains an entry for this variant (Variation ID: 265467). Invitae Evidence Modeling of protein sequence and biophysical properties (such as structural, functional, and spatial information, amino acid conservation, physicochemical variation, residue mobility, and thermodynamic stability) indicates that this missense variant is expected to disrupt CNGA3 protein function with a positive predictive value of 95%. Experimental studies have shown that this missense change affects CNGA3 function (PMID: 15743887, 17693388). For these reasons, this variant has been classified as Pathogenic.

PreventionGenetics, part of Exact Sciences
Classification: Pathogenic for CNGA3-related condition. Last evaluated: 2025-07-07. Review status: criteria provided, single submitter. Criteria: ACMG Guidelines, 2015. Collection method: clinical testing. Allele origin: germline.
Comment: The CNGA3 c.1688G>A variant is predicted to result in the amino acid substitution p.Arg563His. This variant has been reported in the homozygous and compound heterozygous states in individuals with inherited retinal disease, including achromatopsia and cone dystrophy (Wissinger et al. 2001. PubMed ID: 11536077; Table S2, Weisschuh et al. 2020. PubMed ID: 32531858; Table S1, Lin et al. 2024. PubMed ID: 38219857;). This variant has been shown to impact protein function (Muraki-Oda et al. 2007. PubMed ID: 17693388). An alternate substitution of this amino acid residue (p.Arg563Cys) has been reported in individuals with CNGA3-associated achromatopsia (Georgiou et al. 2019. PubMed ID: 30682209). This variant is present in 0.025% of alleles in individuals of Latino descent in gnomAD. This variant is interpreted pathogenic.

Blueprint Genetics
Classification: Pathogenic for CNGA3-related disorders. Last evaluated: 2024-01-05. Review status: criteria provided, single submitter. Criteria: ACMG Guidelines, 2015. Collection method: clinical testing. Allele origin: de novo. Affected: yes. Observed: 5 variant alleles.

Women's Health and Genetics/Laboratory Corporation of America, LabCorp
Classification: Pathogenic for Achromatopsia 2. Last evaluated: 2023-11-15. Review status: criteria provided, single submitter. Criteria: LabCorp Variant Classification Summary - May 2015. Collection method: clinical testing. Allele origin: germline.
Comment: Variant summary: CNGA3 c.1688G>A (p.Arg563His) results in a non-conservative amino acid change located in the Cyclic nucleotide-binding domain (IPR000595) of the encoded protein sequence. Five of five in-silico tools predict a damaging effect of the variant on protein function. The variant allele was found at a frequency of 7.6e-05 in 251250 control chromosomes (gnomAD). The available data on variant occurrences in the general population are insufficient to allow any conclusion about variant significance. c.1688G>A has been reported in the literature in both homozygous and compound heterozygous individuals affected with Achromatopsia (e.g., Wissinger_2001, Weisschuh_2020, Andersen_2023). These data indicate that the variant is very likely to be associated with disease. The following publications have been ascertained in the context of this evaluation (PMID: 36980963, 32531858, 11536077). Six submitters have reported clinical-significance assessments for this variant to ClinVar after 2014. All submitters classified the variant as pathogenic/likely pathogenic. Based on the evidence outlined above, the variant was classified as pathogenic.

CeGaT Center for Human Genetics Tuebingen
Classification: Pathogenic. Last evaluated: 2022-09-01. Review status: criteria provided, single submitter. Criteria: CeGaT Center For Human Genetics Tuebingen Variant Classification Criteria Version 2. Collection method: clinical testing. Allele origin: germline. Affected: yes. Observed: 1 variant allele.
Comment: CNGA3: PM2, PM3, PM5, PS3:Moderate, PS4:Moderate, PP3

Institute of Human Genetics, Univ. Regensburg, Univ. Regensburg
Classification: Pathogenic for Retinal dystrophy. Last evaluated: 2021-01-01. Review status: criteria provided, single submitter. Criteria: ACMG Guidelines, 2015. Collection method: clinical testing. Allele origin: germline. Affected: yes.

Revvity Omics, Revvity
Classification: Likely pathogenic for Achromatopsia 2. Last evaluated: 2020-05-24. Review status: criteria provided, single submitter. Criteria: ACMG Guidelines, 2015. Collection method: clinical testing. Allele origin: germline.

GeneDx
Classification: Pathogenic. Last evaluated: 2016-05-04. Review status: criteria provided, single submitter. Criteria: GeneDx Variant Classification (06012015). Collection method: clinical testing. Allele origin: germline. Affected: yes.
Comment: The R563H pathogenic variant in the CNGA3 gene has been reported previously in two individuals with incomplete achromatopsia and one individual with cone dystrophy who were compound heterozygous for the R563H variant and another missense variant (Wissinger et al., 2001). Functional studies in Xenopus oocytes with the R563H variant show that this variant impacts the function of cyclic nucleotide-gated channels (Liu et al., 2005); additional functional studies in 661W cells with the R563H variant also confirm that the variant impacts the function of the protein (Duricka et al., 2012). The R563H variant was not observed in approximately 6500 individuals of European and African American ancestry in the NHLBI Exome Sequencing Project, indicating it is not a common benign variant in these populations. The R563H variant is a conservative amino acid substitution, which occurs within the cGMP-binding domain at a position that is conserved across species. In silico analysis predicts this variant is probably damaging to the protein structure/function. We interpret R563H as a pathogenic variant.

NIHR Bioresource Rare Diseases, University of Cambridge
Classification: Likely pathogenic for Disorder of eye. Last evaluated: 2015-01-01. Review status: no assertion criteria provided. Collection method: research. Allele origin: unknown. Affected: yes. Observed: 1 variant allele. Not counted in ClinVar's aggregate classification.
Comment: Undetermined rare ocular disorder with frequency of less than eight patients

Clinical Genetics, Academic Medical Center
Classification: Pathogenic. Review status: no assertion criteria provided. Collection method: clinical testing. Allele origin: germline. Affected: yes. Study: VKGL Data-share Consensus. Not counted in ClinVar's aggregate classification.

Joint Genome Diagnostic Labs from Nijmegen and Maastricht, Radboudumc and MUMC+
Classification: Pathogenic. Review status: no assertion criteria provided. Collection method: clinical testing. Allele origin: germline. Affected: yes. Study: VKGL Data-share Consensus. Not counted in ClinVar's aggregate classification.

Literature cited by the submitters: PubMed 11536077 (cited by 4 submitters); PubMed 15743887 (cited by Labcorp Genetics (formerly Invitae), Labcorp and Institute of Human Genetics, Univ. Regensburg, Univ. Regensburg); PubMed 17693388 (cited by Labcorp Genetics (formerly Invitae), Labcorp and Institute of Human Genetics, Univ. Regensburg, Univ. Regensburg); PubMed 32531858 (cited by Women's Health and Genetics/Laboratory Corporation of America, LabCorp and Institute of Human Genetics, Univ. Regensburg, Univ. Regensburg); PubMed 36980963 (cited by Women's Health and Genetics/Laboratory Corporation of America, LabCorp); PubMed 31964843 (cited by Institute of Human Genetics, Univ. Regensburg, Univ. Regensburg); PubMed 32581362 (cited by Institute of Human Genetics, Univ. Regensburg, Univ. Regensburg); PubMed 28041643 (cited by NIHR Bioresource Rare Diseases, University of Cambridge).